The following is an entry in ClinVar:

ClinVar aggregate classification (germline): Uncertain significance (1 of 4 stars; one submission).

Allele frequency attached by ClinVar (database versions not stated): gnomAD exomes below 0.00001.
gnomAD v4.1: 2 of 1,209,003 alleles (0.00017%); highest among the groups gnomAD compares: Non-Finnish European, 0.00022%; no homozygotes.

Submission:

GeneDx
Classification: Uncertain significance. Last evaluated: 2020-06-01. Review status: criteria provided, single submitter. Criteria: GeneDx Variant Classification Process June 2021. Collection method: clinical testing. Allele origin: germline. Affected: yes.
Comment: Not observed in large population cohorts (Lek et al., 2016); In silico analysis supports that this missense variant has a deleterious effect on protein structure/function; Has not been previously published as pathogenic or benign to our knowledge

NM_002025.4(AFF2):c.256A>C (p.Thr86Pro)

Gene: AFF2 (ALF transcription elongation factor 2; plus strand). Cytogenetic location: Xq28.
Variant type: single nucleotide variant.
Coding change: c.256A>C on transcript NM_002025.4 (MANE Select); coding-DNA position 256, A replaced by C.
Protein change: p.Thr86Pro; replaces threonine 86 with proline.
Molecular consequence: missense variant.
Genome position (GRCh38, 1-based): chrX:148,661,983, A>C. VCF-style: chrX-148661983-A-C. GRCh37 (hg19) VCF-style: chrX-147743504-A-C.
Other names: c.244A>C, p.Thr82Pro (NM_001169122.2, NM_001169123.2, NM_001169125.2); c.256A>C, p.Thr86Pro (NM_001169124.2); short protein forms T82P, T86P.
Identifiers: ClinVar variation 1304446 (VCV001304446.2), dbSNP rs2124468283, ClinGen allele CA414508660.
Genomic context (GRCh38, chrX:148,661,983, plus strand): 5'-GCACTTGCCAACCGAGTCCAGAACACGCTTGGAAACTATGATGAAATGAAGAATTTGCTA[A>C]CTAACCATTCTAATCAGAATCACCTAGTGGGAATTCCAAAGAATTCTGTGCCCCAGAATC-3'
Protein context (NP_002016.2, residues 76-96): GNYDEMKNLL[Thr86Pro]NHSNQNHLVG